The following is an entry in ClinVar:

NM_004970.3(IGFALS):c.1123C>T (p.Arg375Trp)

Gene: IGFALS (insulin like growth factor binding protein acid labile subunit; minus strand). Cytogenetic location: 16p13.3.
Variant type: single nucleotide variant.
Coding change: c.1123C>T on transcript NM_004970.3 (MANE Select); coding-DNA position 1123, C replaced by T.
Protein change: p.Arg375Trp; replaces arginine 375 with tryptophan.
Molecular consequence: missense variant. On other transcripts: non-coding transcript variant (1).
Genome position (GRCh38, 1-based): chr16:1,791,295, G>A on the plus strand (C>T on the coding strand, the complement: IGFALS is on the minus strand). VCF-style: chr16-1791295-G-A. GRCh37 (hg19) VCF-style: chr16-1841296-G-A.
Other names: c.1237C>T, p.Arg413Trp (NM_001146006.2); short protein forms R375W, R413W.
Identifiers: ClinVar variation 2290034 (VCV002290034.5), dbSNP rs149041489, ClinGen allele CA7820393.

ClinVar aggregate classification (germline): Uncertain significance. Review status: criteria provided, multiple submitters, no conflicts (2 of 4 stars). 3 submissions from 3 submitters: Uncertain significance (3). Last evaluated 2025-10-01.

Conditions:
Inborn genetic diseases. Identifiers: MedGen C0950123, MeSH D030342.

Allele frequency attached by ClinVar (database versions not stated): TOPMed 0.00019; gnomAD 0.00021; ESP Exome Variant Server 0.00023; 1000 Genomes Project 30x 0.00031; 1000 Genomes Project 0.00040.

Submissions (3):

Ambry Genetics
Classification: Uncertain significance for Inborn genetic diseases. Last evaluated: 2025-10-01. Review status: criteria provided, single submitter. Criteria: Ambry Variant Classification Scheme 2023. Collection method: clinical testing. Allele origin: germline.

Women's Health and Genetics/Laboratory Corporation of America, LabCorp
Classification: Uncertain significance. Last evaluated: 2025-09-09. Review status: criteria provided, single submitter. Criteria: LabCorp Variant Classification Summary - May 2015. Collection method: clinical testing. Allele origin: germline.
Comment: Variant summary: IGFALS c.1123C>T (p.Arg375Trp) results in a non-conservative amino acid change in the encoded protein sequence. Algorithms developed to predict the effect of missense changes on protein structure and function are either unavailable or do not agree on the potential impact of this missense change. The variant allele was found at a frequency of 0.00023 in 244760 control chromosomes. This frequency is not significantly higher than estimated for disease-causing variants in IGFALS, allowing no conclusion about variant significance. To our knowledge, no occurrence of c.1123C>T in individuals affected with IGFALS-related conditions and no experimental evidence demonstrating its impact on protein function have been reported. ClinVar contains an entry for this variant (Variation ID: 2290034). Based on the evidence outlined above, the variant was classified as uncertain significance.

Blueprint Genetics
Classification: Uncertain significance. Last evaluated: 2024-11-01. Review status: criteria provided, single submitter. Criteria: ACMG Guidelines, 2015. Collection method: clinical testing. Allele origin: germline.